The following is an entry in ClinVar:

NM_001042681.2(RERE):c.830G>A (p.Arg277Lys)

Gene: RERE (arginine-glutamic acid dipeptide repeats; minus strand). Cytogenetic location: 1p36.23.
Variant type: single nucleotide variant.
Coding change: c.830G>A on transcript NM_001042681.2 (MANE Select); coding-DNA position 830, G replaced by A.
Protein change: p.Arg277Lys; replaces arginine 277 with lysine.
Molecular consequence: missense variant.
Genome position (GRCh38, 1-based): chr1:8,541,214, C>T on the plus strand (G>A on the coding strand, the complement: RERE is on the minus strand). VCF-style: chr1-8541214-C-T. GRCh37 (hg19) VCF-style: chr1-8601273-C-T.
Other names: c.830G>A, p.Arg277Lys (NM_012102.4); short protein forms R277K.
Identifiers: ClinVar variation 4075327 (VCV004075327.1).

ClinVar aggregate classification (germline): Uncertain significance (1 of 4 stars; one submission).

Conditions:
Neurodevelopmental disorder with or without anomalies of the brain, eye, or heart (NEDBEH). Identifiers: Orphanet 494344, MedGen C5567477, MONDO:0014857, OMIM 616975.

gnomAD v4.1: 3 of 1,543,830 alleles (0.00019%); highest among the groups gnomAD compares: African/African-American, 0.0014%; no homozygotes.

Submission:

Daryl Scott Lab, Baylor College of Medicine
Classification: Uncertain significance for Neurodevelopmental disorder with or without anomalies of the brain, eye, or heart. Last evaluated: 2025-08-05. Review status: criteria provided, single submitter. Criteria: ACMG Guidelines, 2015. Collection method: clinical testing. Allele origin: paternal. Affected: yes. Observed: 2 heterozygotes.
Comment: PM2, PP3